The following is an entry in ClinVar:

NM_000038.6(APC):c.-19+4670G>T

Gene: APC (APC regulator of WNT signaling pathway; plus strand). Cytogenetic location: 5q22.2.
Variant type: single nucleotide variant.
Coding change: c.-19+4670G>T on transcript NM_000038.6 (MANE Select); 4670 bases into the intron after 19 bases upstream of the start codon, G replaced by T.
Molecular consequence: intron variant.
Genome position (GRCh38, 1-based): chr5:112,742,595, G>T. VCF-style: chr5-112742595-G-T. GRCh37 (hg19) VCF-style: chr5-112078292-G-T.
Other names: c.-18-12278G>T (NM_001354895.2); c.166-23731G>T (NM_001354897.2, NM_001354902.2, NM_001127511.3); c.-19+4135G>T (NM_001127510.3); c.60+4135G>T (NM_001354898.2, NM_001354904.2); c.-1054+4670G>T (NM_001354906.2); c.-19+4670G>T (NM_001354896.2, NM_001354903.2, NM_001354899.2); c.-43+4670G>T (NM_001354900.2, NM_001354901.2, NM_001354905.2).
Identifiers: ClinVar variation 82343 (VCV000082343.2), dbSNP rs79278712, ClinGen allele CA006506.

ClinVar aggregate classification (germline): other (0 of 4 stars; one submission).

Conditions:
Familial colorectal cancer. Identifiers: MedGen CN280943, MONDO:0023113. Disease mechanism: loss of function.

Submission:

Systems Biology Platform Zhejiang California International NanoSystems Institute
Classification: other for Familial colorectal cancer. Review status: no assertion criteria provided. Collection method: not provided. Allele origin: unknown.
ClinVar note: Converted during submission from cancer to other.